The following is an entry in ClinVar:

ClinVar aggregate classification (germline): Pathogenic/Likely pathogenic. Review status: criteria provided, multiple submitters, no conflicts (2 of 4 stars). 13 submissions from 12 submitters: Pathogenic (11); Likely pathogenic (1). 1 of the submissions does not count toward it. Last evaluated 2024-03-14.

Conditions:
RARB-related disorder. Also called: RARB-related condition.
Intellectual developmental disorder, autosomal dominant 48. Also called: MENTAL RETARDATION, AUTOSOMAL DOMINANT 48; Intellectual disability, autosomal dominant 48. Identifiers: Orphanet 500159, MedGen C4540321, MONDO:0030913, OMIM 617751.
Microphthalmia, syndromic 12 (MCOPS12). Also called: MICROPHTHALMIA WITH OR WITHOUT PULMONARY HYPOPLASIA, DIAPHRAGMATIC HERNIA, AND/OR CARDIAC DEFECTS. Identifiers: Orphanet 2470, Orphanet 689829, MedGen C3809803, MONDO:0014229, OMIM 615524.
Inborn genetic diseases. Identifiers: MedGen C0950123, MeSH D030342.

Submissions (13):

Baylor Genetics
Classification: Pathogenic for Microphthalmia, syndromic 12. Last evaluated: 2024-03-14. Review status: criteria provided, single submitter. Criteria: ACMG Guidelines, 2015. Collection method: clinical testing. Allele origin: unknown.

Daryl Scott Lab, Baylor College of Medicine
Classification: Pathogenic for Microphthalmia, syndromic 12. Last evaluated: 2024-01-01. Review status: criteria provided, single submitter. Criteria: ACMG Guidelines, 2015. Collection method: clinical testing. Allele origin: de novo. Affected: yes. Observed: 1 heterozygote.
Comment: PS2, PS3, PS4, PM2, PM5, PP3

Daryl Scott Lab, Baylor College of Medicine
Classification: Pathogenic for Intellectual developmental disorder, autosomal dominant 48. Last evaluated: 2023-11-10. Review status: criteria provided, single submitter. Criteria: ACMG Guidelines, 2015. Collection method: clinical testing. Allele origin: de novo. Affected: yes. Observed: 2 heterozygotes.

3billion
Classification: Pathogenic for Microphthalmia, syndromic 12. Last evaluated: 2022-09-01. Review status: criteria provided, single submitter. Criteria: ACMG Guidelines, 2015. Collection method: clinical testing. Allele origin: germline. Affected: yes. Observed: 1 heterozygote.
Comment: The variant is not observed in the gnomAD v2.1.1 dataset. Missense changes are a common disease-causing mechanism. In silico tool predictions suggest damaging effect of the variant on gene or gene product (REVEL: 0.82; 3Cnet: 0.87). The variant has been previously reported as de novo in at least two similarly affected unrelated individuals, and observed in at least two similarly affected unrelated individuals (PMID: 24075189). Different missense changes at the same codon (p.Arg387Leu, p.Arg387Ser) have been reported to be associated with RARB-related disorder (ClinVar ID: VCV000088763 , VCV000430023 / PMID: 24075189). Therefore, this variant is classified as Pathogenic according to the recommendation of ACMG/AMP guideline.

Labcorp Genetics (formerly Invitae), Labcorp
Classification: Pathogenic for Microphthalmia, syndromic 12. Last evaluated: 2022-05-31. Review status: criteria provided, single submitter. Criteria: Invitae Variant Classification Sherloc (09022015). Collection method: clinical testing. Allele origin: germline.
Comment: This missense change has been observed in individual(s) with microphthalmia (PMID: 24075189, 27120018). In at least one individual the variant was observed to be de novo. For these reasons, this variant has been classified as Pathogenic. This variant disrupts the p.Arg387 amino acid residue in RARB. Other variant(s) that disrupt this residue have been determined to be pathogenic (PMID: 24075189). This suggests that this residue is clinically significant, and that variants that disrupt this residue are likely to be disease-causing. Algorithms developed to predict the effect of sequence changes on RNA splicing suggest that this variant may create or strengthen a splice site. Experimental studies have shown that this missense change affects RARB function (PMID: 24075189). Algorithms developed to predict the effect of missense changes on protein structure and function (SIFT, PolyPhen-2, Align-GVGD) all suggest that this variant is likely to be disruptive. ClinVar contains an entry for this variant (Variation ID: 88762). This variant is not present in population databases (gnomAD no frequency). This sequence change replaces arginine, which is basic and polar, with cysteine, which is neutral and slightly polar, at codon 387 of the RARB protein (p.Arg387Cys).

GeneDx
Classification: Pathogenic. Last evaluated: 2022-03-02. Review status: criteria provided, single submitter. Criteria: GeneDx Variant Classification Process June 2021. Collection method: clinical testing. Allele origin: germline. Affected: yes.
Comment: Published functional studies demonstrate a gain-of-function effect on the resultant protein (Srour et al., 2013); Not observed at significant frequency in large population cohorts (gnomAD); In silico analysis supports that this missense variant has a deleterious effect on protein structure/function; This variant is associated with the following publications: (PMID: 24075189, 25457163, 27120018, 30790422, 30480585)

Ambry Genetics
Classification: Pathogenic for Inborn genetic diseases. Last evaluated: 2021-08-25. Review status: criteria provided, single submitter. Criteria: Ambry Variant Classification Scheme 2023. Collection method: clinical testing. Allele origin: germline.
Comment: The c.1159C>T (p.R387C) alteration is located in exon 8 (coding exon 8) of the RARB gene. This alteration results from a C to T substitution at nucleotide position 1159, causing the arginine (R) at amino acid position 387 to be replaced by a cysteine (C). This variant was not reported in population-based cohorts in the Genome Aggregation Database (gnomAD). The p.R387C alteration has been identified in three cases with features of anophthalmia/microphthalmia, severe developmental delay, progressive spasticity, Chiari I malformation, and feeding difficulties (Srour, 2013; Slavotinek, 2015). Srour et al. (2013) identified this de novo missense change in a fetus that was terminated because of a prenatal diagnosis of unilateral microphthalmia and left diaphragmatic hernia and also in a newborn who died within hours of birth with left diaphragmatic hernia, bilateral microphthalmia, and pulmonary hypoplasia. Slavotinek et al. (2015) reported a de novo p.R387C alteration in a patient with bilateral microphthalmia and unilateral coloboma, left diaphragmatic hernia, cleft palate, and a Chiari I malformation. Another variant at the same codon, p.R387S, has been identified in one individual with bilateral microphthalmia, corrected diaphragmatic hernia, intellectual disability, and spasticity (Chitayat, 2007; Srour, 2013). This amino acid position is highly conserved in available vertebrate species. The p.R387C amino acid is located in helix 11 of the C-terminal ligand-binding domain (Srour, 2013). When a ligand binds, the ligand-binding domain undergoes a conformational change in the receptor to induce a response, which serves as a molecular switch to activate transcriptional activity (Edwards, 2000). Functional analysis demonstrated that the p.R387C alteration induced a 2- to 3-fold increase in RARB transcriptional activity in response to retinoic acid ligands, suggestive of a gain-of-function mechanism (Srour, 2013). Functional analysis in transfected HEK293 cells demonstrated that the transcriptional response to retinoic acid was significantly increased, reaching a 28-fold induction for the p.R387C mutant compared to 9-fold for wildtype RARB (Srour, 2013). This alteration is predicted to be deleterious by in silico analysis. Based on the available evidence, this alteration is classified as pathogenic.

Blueprint Genetics
Classification: Pathogenic for RARB-related disorders. Last evaluated: 2019-09-30. Review status: criteria provided, single submitter. Criteria: ACMG Guidelines, 2015. Collection method: clinical testing. Allele origin: germline. Affected: yes. Observed: 1 variant allele.

Revvity Omics, Revvity
Classification: Pathogenic for Microphthalmia, syndromic 12. Last evaluated: 2019-08-13. Review status: criteria provided, single submitter. Criteria: ACMG Guidelines, 2015. Collection method: clinical testing. Allele origin: germline.

Fulgent Genetics
Classification: Pathogenic for Microphthalmia, syndromic 12. Last evaluated: 2018-10-31. Review status: criteria provided, single submitter. Criteria: ACMG Guidelines, 2015. Collection method: clinical testing. Allele origin: unknown.

Genomic Research Center, Shahid Beheshti University of Medical Sciences
Classification: Likely pathogenic for Microphthalmia, syndromic 12. Last evaluated: 2018-08-07. Review status: criteria provided, single submitter. Criteria: ACMG Guidelines, 2015. Collection method: clinical testing. Allele origin: unknown. Affected: yes. Observed: 1 variant allele.

Juno Genomics, Hangzhou Juno Genomics, Inc
Classification: Pathogenic for Microphthalmia, syndromic 12. Review status: criteria provided, single submitter. Criteria: ACMG Guidelines, 2015. Collection method: clinical testing. Allele origin: germline. Affected: yes.
Comment: Absent from controls (or at extremely low frequency if recessive) in Genome Aggregation Database.;Missense variant in a gene that has a low rate of benign missense variation.;The prevalence of the variant in affected individuals is significantly increased compared to the prevalence in controls.;De novo (both maternity and paternity confirmed) in a patient with the disease and no family history.;Well-established in vitro or in vivo functional studies supportive of a damaging effect on the gene or gene product.

OMIM
Classification: Pathogenic for MICROPHTHALMIA, SYNDROMIC 12. Last evaluated: 2013-10-03. Review status: no assertion criteria provided. Collection method: literature only. Allele origin: germline. Not counted in ClinVar's aggregate classification.

Literature cited by the submitters: PubMed 24075189 (cited by 4 submitters); PubMed 27120018 (cited by Labcorp Genetics (formerly Invitae), Labcorp and Ambry Genetics); PubMed 14973393 (cited by Ambry Genetics); PubMed 17506106 (cited by Ambry Genetics); PubMed 25457163 (cited by Ambry Genetics).

NM_000965.5(RARB):c.1159C>T (p.Arg387Cys)

Gene: RARB (retinoic acid receptor beta; plus strand). Cytogenetic location: 3p24.2.
Variant type: single nucleotide variant.
Coding change: c.1159C>T on transcript NM_000965.5 (MANE Select); coding-DNA position 1159, C replaced by T.
Protein change: p.Arg387Cys; replaces arginine 387 with cysteine.
Molecular consequence: missense variant. On other transcripts: non-coding transcript variant (2).
Genome position (GRCh38, 1-based): chr3:25,596,428, C>T. VCF-style: chr3-25596428-C-T. GRCh37 (hg19) VCF-style: chr3-25637919-C-T.
Other names: c.1180C>T, p.Arg394Cys (NM_001290216.3); c.823C>T, p.Arg275Cys (NM_001290217.2, NM_001290276.2, NM_016152.4); c.1012C>T, p.Arg338Cys (NM_001290266.2); c.1021C>T, p.Arg341Cys (NM_001290277.1); c.1030C>T, p.Arg344Cys (NM_001290300.2); short protein forms R387C, R338C, R344C, R394C, R275C, R341C.
Identifiers: ClinVar variation 88762 (VCV000088762.28), dbSNP rs397518483, ClinGen allele CA145343.
Genomic context (GRCh38, chr3:25,596,428, plus strand): 5'-TCATAGCTTAACTCCTTATCTTAACCATATTTCCATTATCTCTTTTGAAAAGGTGCAGAG[C>T]GTGTAATTACCTTGAAAATGGAAATTCCTGGATCAATGCCACCTCTCATTCAAGAAATGC-3'
Protein context (NP_000956.2, residues 377-397): LRSISAKGAE[Arg387Cys]VITLKMEIPG